The following is an entry in ClinVar:

ClinVar aggregate classification (germline): Uncertain significance (1 of 4 stars; one submission).

Conditions:
Parkinsonism-dystonia, infantile. Identifiers: Orphanet 238455, MedGen C2751067, MONDO:0013150.

Allele frequency attached by ClinVar (database versions not stated): gnomAD exomes 0.00001; 1000 Genomes Project 30x 0.00016; 1000 Genomes Project 0.00020.
gnomAD v4.1: 16 of 1,613,560 alleles (0.00099%); highest among the groups gnomAD compares: South Asian, 0.0033%; no homozygotes.

Submission:

Labcorp Genetics (formerly Invitae), Labcorp
Classification: Uncertain significance for Parkinsonism-dystonia, infantile. Last evaluated: 2021-08-02. Review status: criteria provided, single submitter. Criteria: Invitae Variant Classification Sherloc (09022015). Collection method: clinical testing. Allele origin: germline.
Comment: This sequence change replaces valine with methionine at codon 275 of the SLC6A3 protein (p.Val275Met). The valine residue is highly conserved and there is a small physicochemical difference between valine and methionine. This variant is present in population databases (rs141056632, ExAC 0.01%). This variant has not been reported in the literature in individuals affected with SLC6A3-related conditions. Algorithms developed to predict the effect of missense changes on protein structure and function are either unavailable or do not agree on the potential impact of this missense change (SIFT: "Deleterious"; PolyPhen-2: "Possibly Damaging"; Align-GVGD: "Class C0"). In summary, the available evidence is currently insufficient to determine the role of this variant in disease. Therefore, it has been classified as a Variant of Uncertain Significance.

NM_001044.5(SLC6A3):c.823G>A (p.Val275Met)

Gene: SLC6A3 (solute carrier family 6 member 3). Cytogenetic location: 5p15.33.
Variant type: single nucleotide variant.
Coding change: c.823G>A on transcript NM_001044.5 (MANE Select); coding-DNA position 823, G replaced by A.
Protein change: p.Val275Met; replaces valine 275 with methionine.
Molecular consequence: missense variant.
Genome position (GRCh38, 1-based): chr5:1,420,673, C>T on the plus strand (G>A on the coding strand, the complement: SLC6A3 is on the minus strand). VCF-style: chr5-1420673-C-T. GRCh37 (hg19) VCF-style: chr5-1420788-C-T.
Other names: short protein forms V275M.
Identifiers: ClinVar variation 1397709 (VCV001397709.3), dbSNP rs141056632, ClinGen allele CA3186251.
Genomic context (GRCh38, chr5:1,420,673, plus strand): 5'-TGATGCCGTCTATGGCTCCAGGGAGGGTGACCCCACGCAGGAGCAGGGCAGTGAGGACCA[C>T]GTATGGCATGGTGGCTGTGATCCATACCACCTGCAGGAGAGGACAGTGTCACCAGGCTGC-3'
Protein context (NP_001035.1, residues 265-285): VVWITATMPY[Val275Met]VLTALLLRGV